The following is an entry in ClinVar:

ClinVar aggregate classification (germline): Conflicting classifications of pathogenicity. Review status: criteria provided, conflicting classifications (1 of 4 stars). 2 submissions from 2 submitters: Uncertain significance (1); Likely benign (1). Last evaluated 2023-06-29.

Conditions:
Hereditary cancer-predisposing syndrome. Also called: Hereditary Cancer Syndrome; Hereditary neoplastic syndrome; Neoplastic Syndromes, Hereditary; Tumor predisposition. Identifiers: Orphanet 140162, MedGen C0027672, MeSH D009386, MONDO:0015356.

Submissions (2):

Labcorp Genetics (formerly Invitae), Labcorp
Classification: Uncertain significance. Last evaluated: 2023-06-29. Review status: criteria provided, single submitter. Criteria: Invitae Variant Classification Sherloc (09022015). Collection method: clinical testing. Allele origin: germline.
Comment: In summary, the available evidence is currently insufficient to determine the role of this variant in disease. Therefore, it has been classified as a Variant of Uncertain Significance. Algorithms developed to predict the effect of missense changes on protein structure and function output the following: SIFT: "Not Available"; PolyPhen-2: "Benign"; Align-GVGD: "Not Available". The serine amino acid residue is found in multiple mammalian species, which suggests that this missense change does not adversely affect protein function. ClinVar contains an entry for this variant (Variation ID: 1748731). This variant has not been reported in the literature in individuals affected with MSH3-related conditions. This variant is not present in population databases (gnomAD no frequency). This sequence change replaces arginine, which is basic and polar, with serine, which is neutral and polar, at codon 188 of the MSH3 protein (p.Arg188Ser).

Ambry Genetics
Classification: Likely benign for Hereditary cancer-predisposing syndrome. Last evaluated: 2021-11-10. Review status: criteria provided, single submitter. Criteria: Ambry Variant Classification Scheme 2023. Collection method: clinical testing. Allele origin: germline.

NM_002439.5(MSH3):c.562C>A (p.Arg188Ser)

Gene: MSH3 (mutS homolog 3; plus strand). Cytogenetic location: 5q14.1.
Variant type: single nucleotide variant.
Coding change: c.562C>A on transcript NM_002439.5 (MANE Select); coding-DNA position 562, C replaced by A.
Protein change: p.Arg188Ser; replaces arginine 188 with serine.
Molecular consequence: missense variant.
Genome position (GRCh38, 1-based): chr5:80,665,346, C>A. VCF-style: chr5-80665346-C-A. GRCh37 (hg19) VCF-style: chr5-79961165-C-A.
Other names: short protein forms R188S.
Identifiers: ClinVar variation 1748731 (VCV001748731.5), dbSNP rs147289289, ClinGen allele CA360264559.
Genomic context (GRCh38, chr5:80,665,346, plus strand): 5'-GATTTTGATGATATCAGTCTTCTACACGCAAAGAATGCAGTTTCTTCTGAAGATTCGAAA[C>A]GTCAAATTAATCAAAAGGTATGTAACTGCTATAGATGAGTATCCAGTTACCTAGAATAGT-3'
Protein context (NP_002430.3, residues 178-198): KNAVSSEDSK[Arg188Ser]QINQKDTTLF